The following is an entry in ClinVar:

ClinVar aggregate classification (germline): Likely benign (1 of 4 stars; one submission).

Allele frequency attached by ClinVar (database versions not stated): ESP Exome Variant Server 0.00244; 1000 Genomes Project 0.00319; ExAC 0.00372; 1000 Genomes Project 30x 0.00375; gnomAD 0.00394; TOPMed 0.00417; gnomAD exomes 0.00506.
gnomAD v4.1: 7,975 of 1,613,018 alleles (0.49%); highest among the groups gnomAD compares: Non-Finnish European, 0.58%; 20 homozygotes.

Submission:

CeGaT Center for Human Genetics Tuebingen
Classification: Likely benign. Last evaluated: 2023-04-01. Review status: criteria provided, single submitter. Criteria: CeGaT Center For Human Genetics Tuebingen Variant Classification Criteria Version 2. Collection method: clinical testing. Allele origin: germline. Affected: yes. Observed: 1 variant allele.
Comment: FNDC1: BP4, BP7, BS2

NM_032532.3(FNDC1):c.3861T>C (p.Pro1287=)

Gene: FNDC1 (fibronectin type III domain containing 1; plus strand). Cytogenetic location: 6q25.3.
Variant type: single nucleotide variant.
Coding change: c.3861T>C on transcript NM_032532.3 (MANE Select); coding-DNA position 3861, T replaced by C.
Protein change: p.Pro1287=; no amino-acid change (proline 1287 retained).
Molecular consequence: synonymous variant.
Genome position (GRCh38, 1-based): chr6:159,234,373, T>C. VCF-style: chr6-159234373-T-C. GRCh37 (hg19) VCF-style: chr6-159655405-T-C.
Identifiers: ClinVar variation 2657096 (VCV002657096.24), dbSNP rs201264869, ClinGen allele CA4077686.